The following is an entry in ClinVar:

NM_000059.4(BRCA2):c.7126G>A (p.Ala2376Thr)

Gene: BRCA2 (BRCA2 DNA repair associated; plus strand). Cytogenetic location: 13q13.1.
Variant type: single nucleotide variant.
Coding change: c.7126G>A on transcript NM_000059.4 (MANE Select); coding-DNA position 7126, G replaced by A.
Protein change: p.Ala2376Thr; replaces alanine 2376 with threonine.
Molecular consequence: missense variant.
Genome position (GRCh38, 1-based): chr13:32,354,979, G>A. VCF-style: chr13-32354979-G-A. GRCh37 (hg19) VCF-style: chr13-32929116-G-A.
Other names: c.7126G>A (NM_000059.3); short protein forms A2376T.
Identifiers: ClinVar variation 1497117 (VCV001497117.7), dbSNP rs730881552, ClinGen allele CA6941061.

ClinVar aggregate classification (germline): Uncertain significance. Review status: criteria provided, multiple submitters, no conflicts (2 of 4 stars). 2 submissions from 2 submitters: Uncertain significance (2). Last evaluated 2024-12-12.

Conditions:
Hereditary breast ovarian cancer syndrome. Also called: BRCA1- and BRCA2-Associated Hereditary Breast and Ovarian Cancer; Hereditary breast and ovarian cancer; Hereditary breast and/or ovarian cancer syndrome; Hereditary breast and ovarian cancer syndrome; Hereditary breast and ovarian cancer syndrome (HBOC); Breast and ovarian cancer. Identifiers: Orphanet 145, MedGen C0677776, MeSH D061325, MONDO:0003582. Disease mechanism: loss of function.

Allele frequency attached by ClinVar (database versions not stated): gnomAD exomes below 0.00001; ExAC 0.00001.
gnomAD v4.1: 2 of 1,613,522 alleles (0.00012%); highest among the groups gnomAD compares: Admixed American, 0.0017%; no homozygotes.

Submissions (2):

Labcorp Genetics (formerly Invitae), Labcorp
Classification: Uncertain significance for Hereditary breast ovarian cancer syndrome. Last evaluated: 2024-12-12. Review status: criteria provided, single submitter. Criteria: Invitae Variant Classification Sherloc (09022015). Collection method: clinical testing. Allele origin: germline.
Comment: This sequence change replaces alanine, which is neutral and non-polar, with threonine, which is neutral and polar, at codon 2376 of the BRCA2 protein (p.Ala2376Thr). This variant is present in population databases (rs730881552, gnomAD 0.003%). This variant has not been reported in the literature in individuals affected with BRCA2-related conditions. ClinVar contains an entry for this variant (Variation ID: 1497117). Invitae Evidence Modeling of protein sequence and biophysical properties (such as structural, functional, and spatial information, amino acid conservation, physicochemical variation, residue mobility, and thermodynamic stability) indicates that this missense variant is not expected to disrupt BRCA2 protein function with a negative predictive value of 95%. In summary, the available evidence is currently insufficient to determine the role of this variant in disease. Therefore, it has been classified as a Variant of Uncertain Significance.

Quest Diagnostics Nichols Institute San Juan Capistrano
Classification: Uncertain significance. Last evaluated: 2024-10-27. Review status: criteria provided, single submitter. Criteria: Quest Diagnostics criteria. Collection method: clinical testing. Allele origin: unknown.
Comment: The BRCA2 c.7126G>A (p.Ala2376Thr) variant has been identified in the published literature in reportedly healthy individuals (PMID: 30287823 (2018), 36243179 (2022)). The frequency of this variant in the general population, 0.000004 (1/251160 chromosomes (Genome Aggregation Database)), is uninformative in the assessment of its pathogenicity. Analysis of this variant using bioinformatics tools for the prediction of the effect of amino acid changes on protein structure and function yielded predictions that this variant is benign. Based on the available information, we are unable to determine the clinical significance of this variant.

Literature cited by the submitters: PubMed 30287823 (cited by Quest Diagnostics Nichols Institute San Juan Capistrano); PubMed 36243179 (cited by Quest Diagnostics Nichols Institute San Juan Capistrano).